The following is an entry in ClinVar:

ClinVar aggregate classification (germline): Uncertain significance (1 of 4 stars; one submission).

Conditions:
Saldino-Mainzer syndrome (SRTD9). Also called: CONORENAL SYNDROME; Renal dysplasia, retinal pigmentary dystrophy, cerebellar ataxia and skeletal dysplasia; SHORT-RIB THORACIC DYSPLASIA 9 WITHOUT POLYDACTYLY; short-rib thoracic dysplasia 9 with or without polydactyly. Identifiers: Orphanet 140969, MedGen C1849437, MONDO:0009964, OMIM 266920.

Submission:

Labcorp Genetics (formerly Invitae), Labcorp
Classification: Uncertain significance for Saldino-Mainzer syndrome. Last evaluated: 2023-08-07. Review status: criteria provided, single submitter. Criteria: Invitae Variant Classification Sherloc (09022015). Collection method: clinical testing. Allele origin: germline.
Comment: This sequence change replaces arginine, which is basic and polar, with leucine, which is neutral and non-polar, at codon 1403 of the IFT140 protein (p.Arg1403Leu). This variant is not present in population databases (gnomAD no frequency). This variant has not been reported in the literature in individuals affected with IFT140-related conditions. Advanced modeling of protein sequence and biophysical properties (such as structural, functional, and spatial information, amino acid conservation, physicochemical variation, residue mobility, and thermodynamic stability) performed at Invitae indicates that this missense variant is not expected to disrupt IFT140 protein function. In summary, the available evidence is currently insufficient to determine the role of this variant in disease. Therefore, it has been classified as a Variant of Uncertain Significance.

NM_014714.4(IFT140):c.4208G>T (p.Arg1403Leu)

Gene: IFT140 (intraflagellar transport 140; minus strand). Cytogenetic location: 16p13.3.
Variant type: single nucleotide variant.
Coding change: c.4208G>T on transcript NM_014714.4 (MANE Select); coding-DNA position 4208, G replaced by T.
Protein change: p.Arg1403Leu; replaces arginine 1403 with leucine.
Molecular consequence: missense variant.
Genome position (GRCh38, 1-based): chr16:1,511,125, C>A on the plus strand (G>T on the coding strand, the complement: IFT140 is on the minus strand). VCF-style: chr16-1511125-C-A. GRCh37 (hg19) VCF-style: chr16-1561126-C-A.
Other names: short protein forms R1403L.
Identifiers: ClinVar variation 2749032 (VCV002749032.3), dbSNP rs113216558, ClinGen allele CA394222533.
Genomic context (GRCh38, chr16:1,511,125, plus strand): 5'-ACGGCGTCCACGGCCTGCGGGCTCACGTAGTAGGACATGTTGGCCAAGGGAAGCCGCCGC[C>A]GCATCTCCTCCAGGAATCTGTAGGCCTGGGGCAGAGGAGCAGACATTACTCAGCTTTCCT-3'
Protein context (NP_055529.2, residues 1393-1413): QTAYRFLEEM[Arg1403Leu]RRLPLANMSY